The following is an entry in ClinVar:

ClinVar aggregate classification (germline): Pathogenic. Review status: criteria provided, single submitter (1 of 4 stars). 2 submissions from 2 submitters: Pathogenic (1). 1 of the submissions does not count toward it. Last evaluated 2023-05-23.

Conditions:
PRPH2-related disorder. Also called: PRPH2-related condition; PRPH2-related disorders. Identifiers: MedGen CN239395.

Submissions (2):

Labcorp Genetics (formerly Invitae), Labcorp
Classification: Pathogenic for PRPH2-related disorder. Last evaluated: 2023-05-23. Review status: criteria provided, single submitter. Criteria: Invitae Variant Classification Sherloc (09022015). Collection method: clinical testing. Allele origin: germline.
Comment: For these reasons, this variant has been classified as Pathogenic. This variant is also known as 67-69 del/ins. This variant has been observed in individuals with clinical features of autosomal dominant retinal disease (PMID: 8675410, 27628848; Invitae). It has also been observed to segregate with disease in related individuals. Information on the frequency of this variant in the gnomAD database is not available, as this variant may be reported differently in the database. This variant, c.198_202delinsAAGACACA, is a complex sequence change that results in the deletion of 2 and insertion of 3 amino acid(s) in the PRPH2 protein (p.Met67_Gly68delinsArgHisArg).

Leiden Open Variation Database
Classification: Uncertain significance. Last evaluated: 2021-04-06. Review status: no assertion criteria provided. Collection method: curation. Allele origin: germline. Affected: yes. Not counted in ClinVar's aggregate classification.
Comment: Curator: Global Variome, with Curator vacancy. Submitter to LOVD: Manon Peeters.

Literature cited by the submitters: PubMed 8675410 (cited by Labcorp Genetics (formerly Invitae), Labcorp and Leiden Open Variation Database); PubMed 27628848 (cited by Labcorp Genetics (formerly Invitae), Labcorp).

NM_000322.5(PRPH2):c.198_202delinsAAGACACA (p.Met67_Gly68delinsArgHisArg)

Gene: PRPH2 (peripherin 2; minus strand). Cytogenetic location: 6p21.1.
Variant type: Indel.
Coding change: c.198_202delinsAAGACACA on transcript NM_000322.5 (MANE Select); coding-DNA positions 198 to 202, GATGG replaced by AAGACACA.
Protein change: p.Met67_Gly68delinsArgHisArg.
Molecular consequence: inframe indel.
Genome position (GRCh38, 1-based): chr6:42,722,133-42,722,137, CCATC replaced by TGTGTCTT on the plus strand (GATGG replaced by AAGACACA on the coding strand, the reverse complement: PRPH2 is on the minus strand). VCF-style: chr6-42722133-CCATC-TGTGTCTT. GRCh37 (hg19) VCF-style: chr6-42689871-CCATC-TGTGTCTT.
Identifiers: ClinVar variation 968547 (VCV000968547.6), dbSNP rs63749073, ClinGen allele CA1139659529.